The following is an entry in ClinVar:

NM_001270.4(CHD1):c.2721G>A (p.Val907=)

Gene: CHD1 (chromodomain helicase DNA binding protein 1; minus strand). Cytogenetic location: 5q15.
Variant type: single nucleotide variant.
Coding change: c.2721G>A on transcript NM_001270.4 (MANE Select); coding-DNA position 2721, G replaced by A.
Protein change: p.Val907=; no amino-acid change (valine 907 retained).
Molecular consequence: synonymous variant. On other transcripts: non-coding transcript variant (2).
Genome position (GRCh38, 1-based): chr5:98,882,121, C>T on the plus strand (G>A on the coding strand, the complement: CHD1 is on the minus strand). VCF-style: chr5-98882121-C-T. GRCh37 (hg19) VCF-style: chr5-98217825-C-T.
Other names: c.2721G>A, p.Val907= (NM_001364113.3, NM_001376194.2).
Identifiers: ClinVar variation 5041216 (VCV005041216.1).

ClinVar aggregate classification (germline): Likely benign (1 of 4 stars; one submission).

gnomAD v4.1: 4 of 1,611,672 alleles (0.00025%); highest among the groups gnomAD compares: Admixed American, 0.0067%; no homozygotes.

Submission:

CeGaT Center for Human Genetics Tuebingen
Classification: Likely benign. Last evaluated: 2026-09-01. Review status: criteria provided, single submitter. Criteria: CeGaT Center For Human Genetics Tuebingen Variant Classification Criteria Version 2. Collection method: clinical testing. Allele origin: germline. Affected: yes. Observed: 1 variant allele.
Comment: CHD1: BP4, BP7